The following is an entry in ClinVar:

ClinVar aggregate classification (germline): Benign/Likely benign. Review status: criteria provided, multiple submitters, no conflicts (2 of 4 stars). 6 submissions from 6 submitters: Benign (3); Likely benign (3). Last evaluated 2026-08-01.

Conditions:
Glycogen storage disease due to muscle and heart glycogen synthase deficiency. Also called: MUSCLE GLYCOGEN SYNTHASE DEFICIENCY; GSD 0b. Identifiers: Orphanet 137625, MedGen C1969054, MONDO:0012693, OMIM 611556.

Allele frequency attached by ClinVar (database versions not stated): 1000 Genomes Project 30x 0.00031; 1000 Genomes Project 0.00040; TOPMed 0.00066; ESP Exome Variant Server 0.00108; gnomAD 0.00157 and 0.00163; ExAC 0.00177; gnomAD exomes 0.00189.

Submissions (6):

CeGaT Center for Human Genetics Tuebingen
Classification: Likely benign. Last evaluated: 2026-08-01. Review status: criteria provided, single submitter. Criteria: CeGaT Center For Human Genetics Tuebingen Variant Classification Criteria Version 2. Collection method: clinical testing. Allele origin: germline. Affected: yes. Observed: 9 variant alleles.
Comment: GYS1: BP4, BP7

Labcorp Genetics (formerly Invitae), Labcorp
Classification: Benign for Glycogen storage disease due to muscle and heart glycogen synthase deficiency. Last evaluated: 2026-01-18. Review status: criteria provided, single submitter. Criteria: Invitae Variant Classification Sherloc (09022015). Collection method: clinical testing. Allele origin: germline.

ARUP Laboratories, Molecular Genetics and Genomics, ARUP Laboratories
Classification: Benign for Glycogen storage disease due to muscle and heart glycogen synthase deficiency. Last evaluated: 2025-01-13. Review status: criteria provided, single submitter. Criteria: ARUP Molecular Germline Variant Investigation Process 2024. Collection method: clinical testing. Allele origin: germline.

Mayo Clinic Laboratories, Mayo Clinic
Classification: Benign. Last evaluated: 2024-11-22. Review status: criteria provided, single submitter. Criteria: ACMG Guidelines, 2015. Collection method: clinical testing. Allele origin: germline. Observed: 1 variant allele.
Comment: BA1, BP4, BP7

Blueprint Genetics
Classification: Likely benign. Last evaluated: 2024-11-21. Review status: criteria provided, single submitter. Criteria: ACMG Guidelines, 2015. Collection method: clinical testing. Allele origin: germline.

GeneDx
Classification: Likely benign. Last evaluated: 2021-10-30. Review status: criteria provided, single submitter. Criteria: GeneDx Variant Classification Process June 2021. Collection method: clinical testing. Allele origin: germline. Affected: yes.

NM_002103.5(GYS1):c.1848C>T (p.Ala616=)

Gene: GYS1 (glycogen synthase 1; minus strand). Cytogenetic location: 19q13.33.
Variant type: single nucleotide variant.
Coding change: c.1848C>T on transcript NM_002103.5 (MANE Select); coding-DNA position 1848, C replaced by T.
Protein change: p.Ala616=; no amino-acid change (alanine 616 retained).
Molecular consequence: synonymous variant. On other transcripts: non-coding transcript variant (1).
Genome position (GRCh38, 1-based): chr19:48,969,817, G>A on the plus strand (C>T on the coding strand, the complement: GYS1 is on the minus strand). VCF-style: chr19-48969817-G-A. GRCh37 (hg19) VCF-style: chr19-49473074-G-A.
Other names: p.Ala616=; c.1656C>T, p.Ala552= (NM_001161587.2).
Identifiers: ClinVar variation 329809 (VCV000329809.50), dbSNP rs145789213, ClinGen allele CA9562764.